The following is an entry in ClinVar:

ClinVar aggregate classification (germline): Likely benign (1 of 4 stars; one submission).

Allele frequency attached by ClinVar (database versions not stated): gnomAD exomes below 0.00001 and 0.00002; ExAC 0.00001; gnomAD 0.00002; TOPMed 0.00002; ESP Exome Variant Server 0.00008.
gnomAD v4.1: 22 of 1,439,622 alleles (0.0015%); highest among the groups gnomAD compares: Non-Finnish European, 0.0021%; no homozygotes.

Submission:

GeneDx
Classification: Likely benign. Last evaluated: 2018-06-13. Review status: criteria provided, single submitter. Criteria: GeneDx Variant Classification (06012015). Collection method: clinical testing. Allele origin: germline. Affected: yes.
Comment: This variant is considered likely benign or benign based on one or more of the following criteria: it is a conservative change, it occurs at a poorly conserved position in the protein, it is predicted to be benign by multiple in silico algorithms, and/or has population frequency not consistent with disease.

NM_001277062.2(MFF):c.181+8A>G

Gene: MFF (mitochondrial fission factor; plus strand). Cytogenetic location: 2q36.3.
Variant type: single nucleotide variant.
Coding change: c.181+8A>G on transcript NM_001277062.2 (MANE Select); 8 bases into the intron after coding-DNA position 181, A replaced by G.
Molecular consequence: intron variant.
Genome position (GRCh38, 1-based): chr2:227,330,854, A>G. VCF-style: chr2-227330854-A-G. GRCh37 (hg19) VCF-style: chr2-228195570-A-G.
Other names: c.259+8A>G (NM_001277061.2, NM_020194.5); c.181+8A>G (NM_001277063.2, NM_001277064.2, NM_001277065.2 and 2 more transcripts); c.31+8A>G (NM_001277067.1).
Identifiers: ClinVar variation 668501 (VCV000668501.1), dbSNP rs371619648, ClinGen allele CA2147816.